The following is an entry in ClinVar:

ClinVar aggregate classification (germline): Uncertain significance (1 of 4 stars; one submission).

Conditions:
Glycogen storage disease IXa1. Also called: LIVER GLYCOGENOSIS, X-LINKED, TYPE I; GLYCOGEN STORAGE DISEASE VIII; GSD VIII; Glycogen storage disease 8. Identifiers: Orphanet 264580, MedGen C3694531, MONDO:0010598, OMIM 306000.

Submission:

Dasa
Classification: Uncertain significance for Glycogen storage disease IXa1. Last evaluated: 2025-04-29. Review status: criteria provided, single submitter. Criteria: DASA Assertion Criteria. Collection method: clinical testing. Allele origin: germline.
Comment: NM_000292.3(PHKA2):c.1424C>T (p.Pro475Leu) is a missense variant that results in the substitution of proline with leucine. This variant is rare in population databases. Computational prediction algorithms are consistent with a deleterious effect. The currently available literature and clinical evidence are not sufficient to establish a definitive association between this variant and the reported condition. Therefore, this variant is classified as a variant of uncertain significance.

NM_000292.3(PHKA2):c.1424C>T (p.Pro475Leu)

Gene: PHKA2 (phosphorylase kinase regulatory subunit alpha 2; minus strand). Cytogenetic location: Xp22.13.
Variant type: single nucleotide variant.
Coding change: c.1424C>T on transcript NM_000292.3 (MANE Select); coding-DNA position 1424, C replaced by T.
Protein change: p.Pro475Leu; replaces proline 475 with leucine.
Molecular consequence: missense variant.
Genome position (GRCh38, 1-based): chrX:18,926,488, G>A on the plus strand (C>T on the coding strand, the complement: PHKA2 is on the minus strand). VCF-style: chrX-18926488-G-A. GRCh37 (hg19) VCF-style: chrX-18944606-G-A.
Other names: c.1424C>T, p.Pro475Leu (NM_001440800.1, NM_001440801.1, NM_001440805.1); c.1325C>T, p.Pro442Leu (NM_001440802.1, NM_001440803.1, NM_001440804.1); short protein forms P442L, P475L.
Identifiers: ClinVar variation 4882273 (VCV004882273.2).